The following is an entry in ClinVar:

ClinVar aggregate classification (germline): Uncertain significance (1 of 4 stars; one submission).

Conditions:
Adenylosuccinate lyase deficiency (ADSLD). Also called: ADSL DEFICIENCY. Identifiers: Orphanet 46, MedGen C0268126, MONDO:0007068, OMIM 103050.

Submission:

Labcorp Genetics (formerly Invitae), Labcorp
Classification: Uncertain significance for Adenylosuccinate lyase deficiency. Last evaluated: 2022-10-03. Review status: criteria provided, single submitter. Criteria: Invitae Variant Classification Sherloc (09022015). Collection method: clinical testing. Allele origin: germline.
Comment: This variant occurs in a non-coding region of the ADSL gene. It does not change the encoded amino acid sequence of the ADSL protein. The frequency data for this variant in the population databases is considered unreliable, as metrics indicate insufficient coverage at this position in the gnomAD database. This variant has not been reported in the literature in individuals affected with ADSL-related conditions. Experimental studies and prediction algorithms are not available or were not evaluated, and the functional significance of this variant is currently unknown. In summary, the available evidence is currently insufficient to determine the role of this variant in disease. Therefore, it has been classified as a Variant of Uncertain Significance.

NC_000022.11:g.40346180C>G

Gene: ADSL (adenylosuccinate lyase; plus strand). Cytogenetic location: 22q13.1.
Variant type: single nucleotide variant.
Genome position: GRCh38 VCF-style: chr22-40346180-C-G. GRCh37 (hg19) VCF-style: chr22-40742184-C-G.
Identifiers: ClinVar variation 1901751 (VCV001901751.3), dbSNP rs909205, ClinGen allele CA324446670.